The following is an entry in ClinVar:

ClinVar aggregate classification (germline): Uncertain significance (1 of 4 stars; one submission).

Submission:

Labcorp Genetics (formerly Invitae), Labcorp
Classification: Uncertain significance. Last evaluated: 2022-03-27. Review status: criteria provided, single submitter. Criteria: Invitae Variant Classification Sherloc (09022015). Collection method: clinical testing. Allele origin: germline.
Comment: In summary, the available evidence is currently insufficient to determine the role of this variant in disease. Therefore, it has been classified as a Variant of Uncertain Significance. Experimental studies and prediction algorithms are not available or were not evaluated, and the functional significance of this variant is currently unknown. This variant has not been reported in the literature in individuals affected with ADGRA3-related conditions. The frequency data for this variant in the population databases is considered unreliable, as metrics indicate insufficient coverage at this position in the gnomAD database. This variant, c.41_43dup, results in the insertion of 1 amino acid(s) of the ADGRA3 protein (p.Pro14dup), but otherwise preserves the integrity of the reading frame.

NM_145290.4(ADGRA3):c.38CGC[3] (p.Pro14_Leu15insPro)

Gene: ADGRA3 (adhesion G protein-coupled receptor A3; minus strand). Cytogenetic location: 4p15.2.
Variant type: Microsatellite.
Coding change: c.38CGC[3] on transcript NM_145290.4 (MANE Select); three copies in a row of the 3-base unit CGC starting at c.38; the reference has two copies in a row; one copy, 3 bases duplicated.
Protein change: p.Pro14_Leu15insPro.
Molecular consequence: inframe insertion.
Genome position (GRCh38, 1-based): chr4:22,515,742-22,515,744, GCG duplicated on the plus strand (CGC on the coding strand, the reverse complement: ADGRA3 is on the minus strand); duplicating any 3 consecutive bases within chr4:22,515,742-22,515,749 gives the same sequence; the position shown is the placement nearest the transcript's 3' end. VCF-style (leftmost placement, unchanged base first): chr4-22515741-A-AGCG. GRCh37 (hg19) VCF-style: chr4-22517364-A-AGCG.
Identifiers: ClinVar variation 2106687 (VCV002106687.4), dbSNP rs2474932072, ClinGen allele CA2580616082.